The following is an entry in ClinVar:

NM_004415.4(DSP):c.5822A>C (p.Lys1941Thr)

Gene: DSP (desmoplakin; plus strand). Cytogenetic location: 6p24.3.
Variant type: single nucleotide variant.
Coding change: c.5822A>C on transcript NM_004415.4 (MANE Select); coding-DNA position 5822, A replaced by C.
Protein change: p.Lys1941Thr; replaces lysine 1941 with threonine.
Molecular consequence: missense variant.
Genome position (GRCh38, 1-based): chr6:7,583,084, A>C. VCF-style: chr6-7583084-A-C. GRCh37 (hg19) VCF-style: chr6-7583317-A-C.
Other names: c.4025A>C, p.Lys1342Thr (NM_001008844.3); c.4493A>C, p.Lys1498Thr (NM_001319034.2); short protein forms K1342T, K1498T, K1941T.
Identifiers: ClinVar variation 921828 (VCV000921828.7), dbSNP rs143484124, ClinGen allele CA045860.

ClinVar aggregate classification (germline): Uncertain significance. Review status: criteria provided, multiple submitters, no conflicts (2 of 4 stars). 2 submissions from 2 submitters: Uncertain significance (2). Last evaluated 2025-10-28.

Conditions:
Arrhythmogenic right ventricular dysplasia 8 (ARVD8). Also called: Arrhythmogenic Right Ventricular Dysplasia/Cardiomyopathy 8; ARRHYTHMOGENIC RIGHT VENTRICULAR DYSPLASIA, FAMILIAL, 8; ARRHYTHMOGENIC RIGHT VENTRICULAR CARDIOMYOPATHY 8. Identifiers: MedGen C1843896, MONDO:0011831, OMIM 607450.
Arrhythmogenic cardiomyopathy with wooly hair and keratoderma. Also called: PALMOPLANTAR KERATODERMA WITH LEFT VENTRICULAR CARDIOMYOPATHY AND WOOLLY HAIR; Carvajal syndrome; Dilated cardiomyopathy with woolly hair and keratoderma; Arrhythmogenic cardiomyopathy with woolly hair and keratoderma. Identifiers: Orphanet 65282, MedGen C1854063, MONDO:0011581, OMIM 605676.
Cardiomyopathy (CMYO). Also called: Cardiomyopathies. Identifiers: Orphanet 167848, MedGen C0878544, MONDO:0004994, HP:0001638. Inheritance: Various modes of inheritance.

Allele frequency attached by ClinVar (database versions not stated): gnomAD exomes below 0.00001 and 0.00001; gnomAD 0.00001; TOPMed 0.00001; ExAC 0.00002; ESP Exome Variant Server 0.00008.
gnomAD v4.1: 16 of 1,613,924 alleles (0.00099%); highest among the groups gnomAD compares: Non-Finnish European, 0.0014%; no homozygotes.

Submissions (2):

Labcorp Genetics (formerly Invitae), Labcorp
Classification: Uncertain significance for Arrhythmogenic cardiomyopathy with wooly hair and keratoderma; Arrhythmogenic right ventricular dysplasia 8. Last evaluated: 2025-10-28. Review status: criteria provided, single submitter. Criteria: Invitae Variant Classification Sherloc (09022015). Collection method: clinical testing. Allele origin: germline.
Comment: This sequence change replaces lysine, which is basic and polar, with threonine, which is neutral and polar, at codon 1941 of the DSP protein (p.Lys1941Thr). This variant is present in population databases (rs143484124, gnomAD 0.0009%). This missense change has been observed in individual(s) with dilated cardiomyopathy or arrhythmogenic right ventricular cardiomyopathy (PMID: 31983221, 37652022, 37937776). ClinVar contains an entry for this variant (Variation ID: 921828). An algorithm developed to predict the effect of missense changes on protein structure and function (PolyPhen-2) suggests that this variant is likely to be tolerated. In summary, the available evidence is currently insufficient to determine the role of this variant in disease. Therefore, it has been classified as a Variant of Uncertain Significance.

Color Diagnostics, LLC DBA Color Health
Classification: Uncertain significance for Cardiomyopathy. Last evaluated: 2023-08-10. Review status: criteria provided, single submitter. Criteria: ACMG Guidelines, 2015. Collection method: clinical testing. Allele origin: germline.
Comment: This missense variant replaces lysine with threonine at codon 1941 of the DSP protein. Computational prediction suggests that this variant may not impact protein structure and function (internally defined REVEL score threshold <= 0.5, PMID: 27666373). To our knowledge, functional studies have not been reported for this variant. This variant has been reported in one individual affected with dilated cardiomyopathy (PMID: 31983221). This variant has been identified in 1/250506 chromosomes in the general population by the Genome Aggregation Database (gnomAD). The available evidence is insufficient to determine the role of this variant in disease conclusively. Therefore, this variant is classified as a Variant of Uncertain Significance.

Literature cited by the submitters: PubMed 31983221 (cited by Labcorp Genetics (formerly Invitae), Labcorp and Color Diagnostics, LLC DBA Color Health); PubMed 37652022 (cited by Labcorp Genetics (formerly Invitae), Labcorp); PubMed 37937776 (cited by Labcorp Genetics (formerly Invitae), Labcorp).